The following is an entry in ClinVar:

NM_002890.3(RASA1):c.433C>T (p.Pro145Ser)

Gene: RASA1 (RAS p21 protein activator 1; plus strand). Cytogenetic location: 5q14.3.
Variant type: single nucleotide variant.
Coding change: c.433C>T on transcript NM_002890.3 (MANE Select); coding-DNA position 433, C replaced by T.
Protein change: p.Pro145Ser; replaces proline 145 with serine.
Molecular consequence: missense variant.
Genome position (GRCh38, 1-based): chr5:87,268,884, C>T. VCF-style: chr5-87268884-C-T. GRCh37 (hg19) VCF-style: chr5-86564701-C-T.
Other names: short protein forms P145S.
Identifiers: ClinVar variation 2155607 (VCV002155607.4), dbSNP rs1290733136, ClinGen allele CA360417378.

ClinVar aggregate classification (germline): Uncertain significance (1 of 4 stars; one submission).

Conditions:
Capillary malformation-arteriovenous malformation syndrome. Also called: Capillary malformation-arteriovenous malformation. Identifiers: Orphanet 137667, MedGen C1842180, MONDO:0012016.

Allele frequency attached by ClinVar (database versions not stated): gnomAD exomes below 0.00001.

Submission:

Labcorp Genetics (formerly Invitae), Labcorp
Classification: Uncertain significance for Capillary malformation-arteriovenous malformation syndrome. Last evaluated: 2022-04-25. Review status: criteria provided, single submitter. Criteria: Invitae Variant Classification Sherloc (09022015). Collection method: clinical testing. Allele origin: germline.
Comment: In summary, the available evidence is currently insufficient to determine the role of this variant in disease. Therefore, it has been classified as a Variant of Uncertain Significance. Algorithms developed to predict the effect of missense changes on protein structure and function output the following: SIFT: "Tolerated"; PolyPhen-2: "Possibly Damaging"; Align-GVGD: "Class C0". The serine amino acid residue is found in multiple mammalian species, which suggests that this missense change does not adversely affect protein function. This variant has not been reported in the literature in individuals affected with RASA1-related conditions. This variant is present in population databases (no rsID available, gnomAD 0.0009%). This sequence change replaces proline, which is neutral and non-polar, with serine, which is neutral and polar, at codon 145 of the RASA1 protein (p.Pro145Ser).